The following is an entry in ClinVar:

NM_001081.4(CUBN):c.8593G>T (p.Val2865Leu)

Gene: CUBN (cubilin; minus strand). Cytogenetic location: 10p13.
Variant type: single nucleotide variant.
Coding change: c.8593G>T on transcript NM_001081.4 (MANE Select); coding-DNA position 8593, G replaced by T.
Protein change: p.Val2865Leu; replaces valine 2865 with leucine.
Molecular consequence: missense variant.
Genome position (GRCh38, 1-based): chr10:16,899,001, C>A on the plus strand (G>T on the coding strand, the complement: CUBN is on the minus strand). VCF-style: chr10-16899001-C-A. GRCh37 (hg19) VCF-style: chr10-16941000-C-A.
Other names: short protein forms V2865L.
Identifiers: ClinVar variation 4974588 (VCV004974588.1).

ClinVar aggregate classification (germline): Uncertain significance (1 of 4 stars; one submission).

Conditions:
Imerslund-Grasbeck syndrome type 1 (IGS1). Also called: Megaloblastic anemia 1, Finnish type; MEGALOBLASTIC ANEMIA, 1; Imerslund-Gräsbeck syndrome 1. Identifiers: MedGen C4016819, MONDO:0100156, OMIM 261100.

gnomAD v4.1: 1 of 1,607,960 alleles (0.000062%); highest among the groups gnomAD compares: Non-Finnish European, 0.000085%; no homozygotes.

Submission:

Clinical Genomics Laboratory, Washington University in St. Louis
Classification: Uncertain significance for Imerslund-Grasbeck syndrome type 1. Last evaluated: 2025-10-07. Review status: criteria provided, single submitter. Criteria: ACMG Guidelines, 2015. Collection method: clinical testing. Allele origin: germline.
Comment: A CUBN c.8593G>T (p.Val2865Leu) variant was identified in a heterozygous state. This variant, to our knowledge, has not been reported in the medical literature or in the ClinVar database. It is absent from gnomAD v2.1.0 and is only observed on 1/1,607,960 alleles in the general population (gnomAD v4.1.0), indicating it is not a common variant. Computational predictors suggest that the variant does not impact CUBN function. Due to limited information and based on ACMG/AMP guidelines for variant interpretation (Richards S et al., PMID: 25741868), the clinical significance of this variant is uncertain at this time.